The following is an entry in ClinVar:

ClinVar aggregate classification (germline): Conflicting classifications of pathogenicity. Review status: criteria provided, conflicting classifications (1 of 4 stars). 2 submissions from 2 submitters: Uncertain significance (1); Likely benign (1). Last evaluated 2024-04-10.

Conditions:
Hereditary cancer-predisposing syndrome. Also called: Tumor predisposition; Neoplastic Syndromes, Hereditary; Hereditary neoplastic syndrome; Hereditary Cancer Syndrome. Identifiers: Orphanet 140162, MedGen C0027672, MeSH D009386, MONDO:0015356.
Rhabdoid tumor predisposition syndrome 2 (RTPS2). Identifiers: Orphanet 231108, Orphanet 69077, MedGen C2750074, MONDO:0013224, OMIM 613325.

Submissions (2):

Labcorp Genetics (formerly Invitae), Labcorp
Classification: Uncertain significance for Rhabdoid tumor predisposition syndrome 2. Last evaluated: 2024-04-10. Review status: criteria provided, single submitter. Criteria: Invitae Variant Classification Sherloc (09022015). Collection method: clinical testing. Allele origin: germline.
Comment: This variant, c.702_719dup, results in the insertion of 6 amino acid(s) of the SMARCA4 protein (p.Gly239_Pro244dup), but otherwise preserves the integrity of the reading frame. This variant is not present in population databases (gnomAD no frequency). This variant has not been reported in the literature in individuals affected with SMARCA4-related conditions. ClinVar contains an entry for this variant (Variation ID: 1020123). Experimental studies and prediction algorithms are not available or were not evaluated, and the functional significance of this variant is currently unknown. In summary, the available evidence is currently insufficient to determine the role of this variant in disease. Therefore, it has been classified as a Variant of Uncertain Significance.

Ambry Genetics
Classification: Likely benign for Hereditary cancer-predisposing syndrome. Last evaluated: 2022-09-14. Review status: criteria provided, single submitter. Criteria: Ambry Variant Classification Scheme 2023. Collection method: clinical testing. Allele origin: germline.

NM_003072.5(SMARCA4):c.702_719dup (p.229GP[11])

Gene: SMARCA4 (SWI/SNF related BAF chromatin remodeling complex subunit ATPase 4; plus strand). Cytogenetic location: 19p13.2.
Variant type: Duplication.
Coding change: c.702_719dup on transcript NM_003072.5 (MANE Select); coding-DNA positions 702 to 719, 18 bases duplicated (TGGCCCTGGCCCCGGCCC).
Protein change: p.229GP[11].
Molecular consequence: inframe insertion. On other transcripts: non-coding transcript variant (1).
Genome position (GRCh38, 1-based): chr19:10,986,535-10,986,552, TGGCCCTGGCCCCGGCCC duplicated; duplicating any 18 consecutive bases within chr19:10,986,530-10,986,552 gives the same sequence; the c. name uses the placement nearest the transcript's 3' end. VCF-style (leftmost placement, unchanged base first): chr19-10986529-T-TGGCCCTGGCCCTGGCCCC. GRCh37 (hg19) VCF-style: chr19-11097205-T-TGGCCCTGGCCCTGGCCCC.
Other names: c.702_719dup, p.229GP[11] (NM_001128844.3, NM_001128845.2, NM_001128846.2 and 4 more transcripts).
Identifiers: ClinVar variation 1020123 (VCV001020123.12), dbSNP rs2086051828, ClinGen allele CA2322707812.